The following is an entry in ClinVar:

ClinVar aggregate classification (germline): Uncertain significance (1 of 4 stars; one submission).

Allele frequency attached by ClinVar (database versions not stated): gnomAD 0.00002; TOPMed 0.00002.
gnomAD v4.1: 21 of 1,599,172 alleles (0.0013%); highest among the groups gnomAD compares: South Asian, 0.019%; no homozygotes.

Submission:

Labcorp Genetics (formerly Invitae), Labcorp
Classification: Uncertain significance. Last evaluated: 2024-06-17. Review status: criteria provided, single submitter. Criteria: Invitae Variant Classification Sherloc (09022015). Collection method: clinical testing. Allele origin: germline.
Comment: This sequence change replaces leucine, which is neutral and non-polar, with valine, which is neutral and non-polar, at codon 1955 of the CACNA1B protein (p.Leu1955Val). This variant is present in population databases (rs781201314, gnomAD 0.01%). This variant has not been reported in the literature in individuals affected with CACNA1B-related conditions. ClinVar contains an entry for this variant (Variation ID: 1921429). An algorithm developed to predict the effect of missense changes on protein structure and function (PolyPhen-2) suggests that this variant is likely to be tolerated. In summary, the available evidence is currently insufficient to determine the role of this variant in disease. Therefore, it has been classified as a Variant of Uncertain Significance.

NM_000718.4(CACNA1B):c.5863C>G (p.Leu1955Val)

Gene: CACNA1B (calcium voltage-gated channel subunit alpha1 B; plus strand). Cytogenetic location: 9q34.3.
Variant type: single nucleotide variant.
Coding change: c.5863C>G on transcript NM_000718.4 (MANE Select); coding-DNA position 5863, C replaced by G.
Protein change: p.Leu1955Val; replaces leucine 1955 with valine.
Molecular consequence: missense variant.
Genome position (GRCh38, 1-based): chr9:138,118,031, C>G. VCF-style: chr9-138118031-C-G. GRCh37 (hg19) VCF-style: chr9-141012483-C-G.
Other names: c.5863C>G, p.Leu1955Val (NM_001243812.2); short protein forms L1955V.
Identifiers: ClinVar variation 1921429 (VCV001921429.5), dbSNP rs781201314, ClinGen allele CA5377512.